The following is an entry in ClinVar:

NM_003737.4(DCHS1):c.3530A>G (p.Tyr1177Cys)

Gene: DCHS1 (dachsous cadherin-related 1; minus strand). Cytogenetic location: 11p15.4.
Variant type: single nucleotide variant.
Coding change: c.3530A>G on transcript NM_003737.4 (MANE Select); coding-DNA position 3530, A replaced by G.
Protein change: p.Tyr1177Cys; replaces tyrosine 1177 with cysteine.
Molecular consequence: missense variant.
Genome position (GRCh38, 1-based): chr11:6,631,761, T>C on the plus strand (A>G on the coding strand, the complement: DCHS1 is on the minus strand). VCF-style: chr11-6631761-T-C. GRCh37 (hg19) VCF-style: chr11-6652992-T-C.
Other names: short protein forms Y1177C.
Identifiers: ClinVar variation 3340723 (VCV003340723.1).

ClinVar aggregate classification (germline): Uncertain significance (1 of 4 stars; one submission).

gnomAD v4.1: 10 of 1,595,146 alleles (0.00063%); highest among the groups gnomAD compares: African/African-American, 0.0027%; no homozygotes.

Submission:

GeneDx
Classification: Uncertain significance. Last evaluated: 2023-12-13. Review status: criteria provided, single submitter. Criteria: GeneDx Variant Classification Process June 2021. Collection method: clinical testing. Allele origin: germline. Affected: yes.
Comment: In silico analysis supports that this missense variant has a deleterious effect on protein structure/function; Has not been previously published as pathogenic or benign to our knowledge